The following is an entry in ClinVar:

ClinVar aggregate classification (germline): Uncertain significance (1 of 4 stars; one submission).

Conditions:
Marfan syndrome (MFS). Also called: MARFAN SYNDROME, TYPE I; Marfan syndrome type 1; Marfan's syndrome; Marfan syndrome, classic; FBN1-Related Marfan Syndrome. Identifiers: Orphanet 284963, Orphanet 558, MedGen C0024796, MONDO:0007947, OMIM 154700.
Familial thoracic aortic aneurysm and aortic dissection (TAAD). Also called: Thoracic aortic aneurysms and dissections. Identifiers: Orphanet 91387, MedGen C4707243, MONDO:0019625.

Submission:

Labcorp Genetics (formerly Invitae), Labcorp
Classification: Uncertain significance for Marfan syndrome; Familial thoracic aortic aneurysm and aortic dissection. Last evaluated: 2024-12-18. Review status: criteria provided, single submitter. Criteria: Invitae Variant Classification Sherloc (09022015). Collection method: clinical testing. Allele origin: germline.
Comment: This sequence change replaces glycine, which is neutral and non-polar, with leucine, which is neutral and non-polar, at codon 2114 of the FBN1 protein (p.Gly2114Leu). Information on the frequency of this variant in the gnomAD database is not available, as this variant may be reported differently in the database. This variant has not been reported in the literature in individuals affected with FBN1-related conditions. An algorithm developed to predict the effect of missense changes on protein structure and function (PolyPhen-2) suggests that this variant is likely to be tolerated. In summary, the available evidence is currently insufficient to determine the role of this variant in disease. Therefore, it has been classified as a Variant of Uncertain Significance.

NM_000138.5(FBN1):c.6340_6341delinsCT (p.Gly2114Leu)

Gene: FBN1 (fibrillin 1; minus strand). Cytogenetic location: 15q21.1.
Variant type: Indel.
Coding change: c.6340_6341delinsCT on transcript NM_000138.5 (MANE Select); coding-DNA positions 6340 to 6341, GG replaced by CT.
Protein change: p.Gly2114Leu; replaces glycine 2114 with leucine.
Molecular consequence: missense variant.
Genome position (GRCh38, 1-based): chr15:48,437,360-48,437,361, CC replaced by AG on the plus strand (GG replaced by CT on the coding strand, the reverse complement: FBN1 is on the minus strand). VCF-style: chr15-48437360-CC-AG. GRCh37 (hg19) VCF-style: chr15-48729557-CC-AG.
Other names: c.6340_6341delinsCT, p.Gly2114Leu (NM_001406716.1); short protein forms G2114L.
Identifiers: ClinVar variation 3760101 (VCV003760101.2).